The following is an entry in ClinVar:

NM_002907.4(RECQL):c.1704G>A (p.Ser568=)

Genes: PYROXD1 (pyridine nucleotide-disulphide oxidoreductase domain 1; plus strand), RECQL (RecQ like helicase; minus strand). Cytogenetic location: 12p12.1.
Variant type: single nucleotide variant.
Coding change: c.1704G>A on transcript NM_002907.4 (MANE Select); coding-DNA position 1704, G replaced by A.
Protein change: p.Ser568=; no amino-acid change (serine 568 retained).
Molecular consequence: synonymous variant. On other transcripts: 3 prime UTR variant (3).
Genome position (GRCh38, 1-based): chr12:21,471,062, C>T on the plus strand (G>A on the coding strand, the complement: RECQL is on the minus strand). VCF-style: chr12-21471062-C-T. GRCh37 (hg19) VCF-style: chr12-21623996-C-T.
Other names: c.1704G>A, p.Ser568= (NM_032941.3); c.*2308C>T (NM_001350912.2, NM_001350913.2, NM_024854.5).
Identifiers: ClinVar variation 515125 (VCV000515125.12), dbSNP rs2417989, ClinGen allele CA6478670.

ClinVar aggregate classification (germline): Likely benign. Review status: criteria provided, multiple submitters, no conflicts (2 of 4 stars). 3 submissions from 3 submitters: Likely benign (3). Last evaluated 2025-04-17.

Allele frequency attached by ClinVar (database versions not stated): ExAC 0.00002; gnomAD exomes 0.00002 and 0.00004; gnomAD 0.00007 and 0.00009; TOPMed 0.00009.
gnomAD v4.1: 45 of 1,600,246 alleles (0.0028%); highest among the groups gnomAD compares: Middle Eastern, 0.1%; no homozygotes.

Submissions (3):

Labcorp Genetics (formerly Invitae), Labcorp
Classification: Likely benign. Last evaluated: 2025-04-17. Review status: criteria provided, single submitter. Criteria: Invitae Variant Classification Sherloc (09022015). Collection method: clinical testing. Allele origin: germline.

Ambry Genetics
Classification: Likely benign. Last evaluated: 2022-02-13. Review status: criteria provided, single submitter. Criteria: Ambry Variant Classification Scheme 2023. Collection method: clinical testing. Allele origin: germline.

GeneDx
Classification: Likely benign. Last evaluated: 2018-01-25. Review status: criteria provided, single submitter. Criteria: GeneDx Variant Classification (06012015). Collection method: clinical testing. Allele origin: germline. Affected: yes.
Comment: This variant is considered likely benign or benign based on one or more of the following criteria: it is a conservative change, it occurs at a poorly conserved position in the protein, it is predicted to be benign by multiple in silico algorithms, and/or has population frequency not consistent with disease.